The following is an entry in ClinVar:

ClinVar aggregate classification (germline): Likely benign. Review status: criteria provided, multiple submitters, no conflicts (2 of 4 stars). 3 submissions from 3 submitters: Likely benign (2). 1 of the submissions does not count toward it. Last evaluated 2026-01-08.

Conditions:
Myopathy, proximal, and ophthalmoplegia (CMYO6). Also called: CONGENITAL MYOPATHY 6 WITH OPHTHALMOPLEGIA; MYOPATHY WITH CONGENITAL JOINT CONTRACTURES, OPHTHALMOPLEGIA, AND RIMMED VACUOLES; INCLUSION BODY MYOPATHY 3, AUTOSOMAL DOMINANT. Identifiers: Orphanet 363677, Orphanet 79091, MedGen C1854106, MONDO:0011577, OMIM 605637.
MYH2-related disorder. Also called: MYH2-related condition.

Allele frequency attached by ClinVar (database versions not stated): gnomAD exomes 0.00024; ExAC 0.00035; gnomAD 0.00006; TOPMed 0.00012; 1000 Genomes Project 30x 0.00016; 1000 Genomes Project 0.00020.
gnomAD v4.1: 273 of 1,614,106 alleles (0.017%); highest among the groups gnomAD compares: Non-Finnish European, 0.018%; no homozygotes.

Submissions (3):

Labcorp Genetics (formerly Invitae), Labcorp
Classification: Likely benign for Myopathy, proximal, and ophthalmoplegia. Last evaluated: 2026-01-08. Review status: criteria provided, single submitter. Criteria: Invitae Variant Classification Sherloc (09022015). Collection method: clinical testing. Allele origin: germline.

CeGaT Center for Human Genetics Tuebingen
Classification: Likely benign. Last evaluated: 2025-07-01. Review status: criteria provided, single submitter. Criteria: CeGaT Center For Human Genetics Tuebingen Variant Classification Criteria Version 2. Collection method: clinical testing. Allele origin: germline. Affected: yes. Observed: 1 variant allele.
Comment: MYH2: BP4, BP7

PreventionGenetics, part of Exact Sciences
Classification: Likely benign for MYH2-related condition. Last evaluated: 2022-11-04. Review status: no assertion criteria provided. Collection method: clinical testing. Allele origin: germline. Not counted in ClinVar's aggregate classification.
Comment: This variant is classified as likely benign based on ACMG/AMP sequence variant interpretation guidelines (Richards et al. 2015 PMID: 25741868, with internal and published modifications).

NM_017534.6(MYH2):c.1227C>T (p.Val409=)

Genes: MYH2 (myosin heavy chain 2; minus strand), MYHAS (myosin heavy chain gene cluster antisense RNA; plus strand). Cytogenetic location: 17p13.1.
Variant type: single nucleotide variant.
Coding change: c.1227C>T on transcript NM_017534.6 (MANE Select); coding-DNA position 1227, C replaced by T.
Protein change: p.Val409=; no amino-acid change (valine 409 retained).
Molecular consequence: synonymous variant.
Genome position (GRCh38, 1-based): chr17:10,539,483, G>A on the plus strand (C>T on the coding strand, the complement: MYH2 is on the minus strand). VCF-style: chr17-10539483-G-A. GRCh37 (hg19) VCF-style: chr17-10442800-G-A.
Other names: c.1227C>T, p.Val409= (NM_001100112.2).
Identifiers: ClinVar variation 321692 (VCV000321692.23), dbSNP rs563146441, ClinGen allele CA8391423.